The following is an entry in ClinVar:

ClinVar aggregate classification (germline): Uncertain significance. Review status: criteria provided, multiple submitters, no conflicts (2 of 4 stars). 3 submissions from 3 submitters: Uncertain significance (3). Last evaluated 2024-02-17.

Conditions:
Malignant hyperthermia, susceptibility to, 1 (MHS1). Also called: RYR1-Related Malignant Hyperthermia Susceptibility; Malignant hyperthermia suceptibility 1; Anesthesia related hyperthermia; Malignant hyperpyrexia; Fulminating hyperpyrexia; Pharmacogenic myopathy. Identifiers: Orphanet 423, MedGen C2930980, MONDO:0007783, OMIM 145600.
RYR1-related disorder. Also called: RYR1-related condition; RYR1-related disorders. Identifiers: MedGen CN239331.

Allele frequency attached by ClinVar (database versions not stated): ExAC 0.00001.
gnomAD v4.1: 19 of 1,610,918 alleles (0.0012%); highest among the groups gnomAD compares: Non-Finnish European, 0.0015%; no homozygotes.

Submissions (3):

Labcorp Genetics (formerly Invitae), Labcorp
Classification: Uncertain significance for RYR1-related disorder. Last evaluated: 2024-02-17. Review status: criteria provided, single submitter. Criteria: Invitae Variant Classification Sherloc (09022015). Collection method: clinical testing. Allele origin: germline.
Comment: This sequence change replaces proline, which is neutral and non-polar, with leucine, which is neutral and non-polar, at codon 2793 of the RYR1 protein (p.Pro2793Leu). This variant is present in population databases (rs777584701, gnomAD 0.0009%). This variant has not been reported in the literature in individuals affected with RYR1-related conditions. ClinVar contains an entry for this variant (Variation ID: 1442245). Advanced modeling of protein sequence and biophysical properties (such as structural, functional, and spatial information, amino acid conservation, physicochemical variation, residue mobility, and thermodynamic stability) performed at Invitae indicates that this missense variant is expected to disrupt RYR1 protein function with a positive predictive value of 95%. In summary, the available evidence is currently insufficient to determine the role of this variant in disease. Therefore, it has been classified as a Variant of Uncertain Significance.

All of Us Research Program, National Institutes of Health
Classification: Uncertain significance for Malignant hyperthermia, susceptibility to, 1. Last evaluated: 2023-11-30. Review status: criteria provided, single submitter. Criteria: ACMG Guidelines, 2015. Collection method: clinical testing. Allele origin: germline. Inheritance: Autosomal dominant inheritance. Observed: 1 variant allele, 1 heterozygote.
Comment: This study involves interpretation of variants in research participants for the purpose of population health screening. Participant phenotype was not available at the time of variant classification. Additional details can be found in publication PMID: 35346344, PMCID: PMC8962531

Revvity Omics, Revvity
Classification: Uncertain significance. Last evaluated: 2021-09-18. Review status: criteria provided, single submitter. Criteria: ACMG Guidelines, 2015. Collection method: clinical testing. Allele origin: germline.

NM_000540.3(RYR1):c.8378C>T (p.Pro2793Leu)

Genes: RYR1 (ryanodine receptor 1; plus strand), LOC126862902 (BRD4-independent group 4 enhancer GRCh37_chr19:38995830-38997029; plus strand). Cytogenetic location: 19q13.2.
Variant type: single nucleotide variant.
Coding change: c.8378C>T on transcript NM_000540.3 (MANE Select); coding-DNA position 8378, C replaced by T.
Protein change: p.Pro2793Leu; replaces proline 2793 with leucine.
Molecular consequence: missense variant.
Genome position (GRCh38, 1-based): chr19:38,505,376, C>T. VCF-style: chr19-38505376-C-T. GRCh37 (hg19) VCF-style: chr19-38996016-C-T.
Other names: c.8378C>T, p.Pro2793Leu (NM_001042723.2); short protein forms P2793L.
Identifiers: ClinVar variation 1442245 (VCV001442245.8), dbSNP rs777584701, ClinGen allele CA071909.